The following is an entry in ClinVar:

ClinVar aggregate classification (germline): Benign. Review status: criteria provided, multiple submitters, no conflicts (2 of 4 stars). 2 submissions from 2 submitters: Benign (2). Last evaluated 2018-01-13.

Conditions:
Neuronal ceroid lipofuscinosis 1 (CLN1). Also called: CEROID LIPOFUSCINOSIS, NEURONAL, 1, VARIABLE AGE AT ONSET; PPT1-Related Neuronal Ceroid-Lipofuscinosis. Identifiers: Orphanet 228329, MedGen C1850451, MONDO:0009744, OMIM 256730.

Allele frequency attached by ClinVar (database versions not stated): gnomAD 0.00721 and 0.00984; TOPMed 0.00843; 1000 Genomes Project 30x 0.02873; 1000 Genomes Project 0.03095.

Submissions (2):

Illumina Laboratory Services, Illumina
Classification: Benign for Neuronal ceroid lipofuscinosis 1. Last evaluated: 2018-01-13. Review status: criteria provided, single submitter. Criteria: ICSL Variant Classification Criteria 13 December 2019. Collection method: clinical testing. Allele origin: germline.
Comment: This variant was observed in the ICSL laboratory as part of a predisposition screen in an ostensibly healthy population. It had not been previously curated by ICSL or reported in the Human Gene Mutation Database (HGMD: prior to June 1st, 2018), and was therefore a candidate for classification through an automated scoring system. Utilizing variant allele frequency, disease prevalence and penetrance estimates, and inheritance mode, an automated score was calculated to assess if this variant is too frequent to cause the disease. Based on the score and internal cut-off values, a variant classified as benign is not then subjected to further curation. The score for this variant resulted in a classification of benign for this disease.

Breakthrough Genomics
Classification: Benign. Review status: criteria provided, single submitter. Criteria: ACMG Guidelines, 2015. Collection method: not provided. Allele origin: germline. Inheritance: Autosomal recessive inheritance. Affected: yes.

NM_000310.4(PPT1):c.*878T>C

Gene: PPT1 (palmitoyl-protein thioesterase 1; minus strand). Cytogenetic location: 1p34.2.
Variant type: single nucleotide variant.
Coding change: c.*878T>C on transcript NM_000310.4 (MANE Select); 878 bases downstream of the stop codon, T replaced by C.
Molecular consequence: 3 prime UTR variant.
Genome position (GRCh38, 1-based): chr1:40,073,183, A>G on the plus strand (T>C on the coding strand, the complement: PPT1 is on the minus strand). VCF-style: chr1-40073183-A-G. GRCh37 (hg19) VCF-style: chr1-40538855-A-G.
Other names: c.*878T>C (NM_001142604.2, NM_001363695.2).
Identifiers: ClinVar variation 297223 (VCV000297223.6), dbSNP rs74638149, ClinGen allele CA10610986.